The following is an entry in ClinVar:

ClinVar aggregate classification (germline): Benign (1 of 4 stars; one submission).

Allele frequency attached by ClinVar (database versions not stated): gnomAD exomes 0.00028; ExAC 0.00092; ESP Exome Variant Server 0.00323; 1000 Genomes Project 30x 0.00390; TOPMed 0.00384; gnomAD 0.00315; 1000 Genomes Project 0.00419.
gnomAD v4.1: 895 of 1,612,490 alleles (0.056%); highest among the groups gnomAD compares: African/African-American, 0.95%; 3 homozygotes.

Submission:

CeGaT Center for Human Genetics Tuebingen
Classification: Benign. Last evaluated: 2024-02-01. Review status: criteria provided, single submitter. Criteria: CeGaT Center For Human Genetics Tuebingen Variant Classification Criteria Version 2. Collection method: clinical testing. Allele origin: germline. Affected: yes. Observed: 1 variant allele.
Comment: ZBTB12: BP4, BP7, BS1, BS2

NM_181842.3(ZBTB12):c.1269C>G (p.Arg423=)

Genes: C2 (complement C2; plus strand), ZBTB12 (zinc finger and BTB domain containing 12; minus strand). Cytogenetic location: 6p21.33.
Variant type: single nucleotide variant.
Coding change: c.1269C>G on transcript NM_181842.3 (MANE Select); coding-DNA position 1269, C replaced by G.
Protein change: p.Arg423=; no amino-acid change (arginine 423 retained).
Molecular consequence: synonymous variant. On other transcripts: intron variant (1).
Genome position (GRCh38, 1-based): chr6:31,900,037, G>C on the plus strand (C>G on the coding strand, the complement: ZBTB12 is on the minus strand). VCF-style: chr6-31900037-G-C. GRCh37 (hg19) VCF-style: chr6-31867814-G-C.
Other names: c.-64+2095G>C (NM_001282457.2).
Identifiers: ClinVar variation 3025505 (VCV003025505.20), dbSNP rs143020711, ClinGen allele CA3727058.